The following is an entry in ClinVar:

ClinVar aggregate classification (germline): Conflicting classifications of pathogenicity. Review status: criteria provided, conflicting classifications (1 of 4 stars). 3 submissions from 3 submitters: Uncertain significance (1); Benign (1). 1 of the submissions does not count toward it. Last evaluated 2026-01-26.

Conditions:
Kabuki syndrome. Also called: NIIKAWA-KUROKI SYNDROME; Kabuki make-up syndrome. Identifiers: Orphanet 2322, MedGen C0796004, MONDO:0016512.
Intellectual disability. Also called: intellectual disabilities; Intellectual developmental disorder; Intellectual functioning disability. Identifiers: MedGen C3714756, MeSH D008607, MONDO:0001071, HP:0001249.

Allele frequency attached by ClinVar (database versions not stated): ExAC 0.00002; gnomAD 0.00002; TOPMed 0.00001; ESP Exome Variant Server 0.00009.
gnomAD v4.1: 20 of 1,566,788 alleles (0.0013%); highest among the groups gnomAD compares: Non-Finnish European, 0.0016%; no homozygotes.

Submissions (3):

Labcorp Genetics (formerly Invitae), Labcorp
Classification: Benign for Kabuki syndrome. Last evaluated: 2026-01-26. Review status: criteria provided, single submitter. Criteria: Invitae Variant Classification Sherloc (09022015). Collection method: clinical testing. Allele origin: germline.

Women's Health and Genetics/Laboratory Corporation of America, LabCorp
Classification: Uncertain significance. Last evaluated: 2025-11-05. Review status: criteria provided, single submitter. Criteria: LabCorp Variant Classification Summary - May 2015. Collection method: clinical testing. Allele origin: germline.
Comment: Variant summary: KMT2D c.6421G>A (p.Gly2141Arg) results in a non-conservative amino acid change in the encoded protein sequence. Algorithms developed to predict the effect of missense changes on protein structure and function are either unavailable or do not agree on the potential impact of this missense change. The frequency data for this variant in gnomAD is considered unreliable, as metrics indicate poor data quality at this position. To our knowledge, no occurrence of c.6421G>A in individuals affected with KMT2D-related conditions and no experimental evidence demonstrating its impact on protein function have been reported. ClinVar contains an entry for this variant (Variation ID: 975274). Based on the evidence outlined above, the variant was classified as uncertain significance.

Centre de Biologie Pathologie Génétique, Centre Hospitalier Universitaire de Lille
Classification: Likely benign for Intellectual disability. Last evaluated: 2019-01-01. Review status: no assertion criteria provided. Collection method: clinical testing. Allele origin: inherited. Affected: yes. Not counted in ClinVar's aggregate classification.

NM_003482.4(KMT2D):c.6421G>A (p.Gly2141Arg)

Gene: KMT2D (lysine methyltransferase 2D; minus strand). Cytogenetic location: 12q13.12.
Variant type: single nucleotide variant.
Coding change: c.6421G>A on transcript NM_003482.4 (MANE Select); coding-DNA position 6421, G replaced by A.
Protein change: p.Gly2141Arg; replaces glycine 2141 with arginine.
Molecular consequence: missense variant.
Genome position (GRCh38, 1-based): chr12:49,041,349, C>T on the plus strand (G>A on the coding strand, the complement: KMT2D is on the minus strand). VCF-style: chr12-49041349-C-T. GRCh37 (hg19) VCF-style: chr12-49435132-C-T.
Other names: short protein forms G2141R.
Identifiers: ClinVar variation 975274 (VCV000975274.3), dbSNP rs373429610, ClinGen allele CA6547271.